The following is an entry in ClinVar:

ClinVar aggregate classification (germline): Likely benign (1 of 4 stars; one submission).

gnomAD v4.1: 406 of 1,612,828 alleles (0.025%); highest among the groups gnomAD compares: Middle Eastern, 0.049%; no homozygotes.

Submission:

Women's Health and Genetics/Laboratory Corporation of America, LabCorp
Classification: Likely benign. Last evaluated: 2025-09-05. Review status: criteria provided, single submitter. Criteria: LabCorp Variant Classification Summary - May 2015. Collection method: clinical testing. Allele origin: germline.
Comment: Variant summary: HEPHL1 c.1875C>T alters a conserved nucleotide resulting in a synonymous change. Consensus agreement among computation tools predict no significant impact on normal splicing. However, these predictions have yet to be confirmed by functional studies. The variant allele was found at a frequency of 0.00017 in 249004 control chromosomes. This frequency is not significantly higher than estimated for disease-causing variants in HEPHL1, allowing no conclusion about variant significance. To our knowledge, no occurrence of c.1875C>T in individuals affected with HEPHL1-related conditions and no experimental evidence demonstrating its impact on protein function have been reported. No submitters have cited clinical-significance assessments for this variant to ClinVar. Based on the evidence outlined above, the variant was classified as likely benign.

NM_001098672.2(HEPHL1):c.1875C>T (p.Asn625=)

Gene: HEPHL1 (hephaestin like 1; plus strand). Cytogenetic location: 11q21.
Variant type: single nucleotide variant.
Coding change: c.1875C>T on transcript NM_001098672.2 (MANE Select); coding-DNA position 1875, C replaced by T.
Protein change: p.Asn625=; no amino-acid change (asparagine 625 retained).
Molecular consequence: synonymous variant.
Genome position (GRCh38, 1-based): chr11:94,085,984, C>T. VCF-style: chr11-94085984-C-T. GRCh37 (hg19) VCF-style: chr11-93819150-C-T.
Identifiers: ClinVar variation 4535758 (VCV004535758.1).